The following is an entry in ClinVar:

ClinVar aggregate classification (germline): Likely pathogenic (1 of 4 stars; one submission).

Conditions:
Menkes kinky-hair syndrome (MNK). Also called: Copper transport disease; Classic Menkes Disease; Menkes Disease. Identifiers: Orphanet 565, MedGen C0022716, MONDO:0010651, OMIM 309400.

Submission:

Myriad Genetics, Inc.
Classification: Likely pathogenic for Menkes kinky-hair syndrome. Last evaluated: 2022-02-17. Review status: criteria provided, single submitter. Criteria: Myriad Autosomal Dominant, Autosomal Recessive and X-Linked Classification Criteria (2023). Collection method: clinical testing. Allele origin: unknown.
Comment: NM_000052.5(ATP7A):c.3612_3613delTG(E1205Tfs*2) is expected to be pathogenic in the context of ATP7A-related disorders. This variant is predicted to lead to an abnormal or absent protein product due to the creation of a premature termination codon in ATP7A, a gene where loss-of-function variants are known to be pathogenic. Please note: this variant was assessed in the context of healthy population screening.

NM_000052.7(ATP7A):c.3612_3613del (p.Glu1205fs)

Gene: ATP7A (ATPase copper transporting alpha; plus strand). Cytogenetic location: Xq21.1.
Variant type: Deletion.
Coding change: c.3612_3613del on transcript NM_000052.7 (MANE Select); coding-DNA positions 3612 to 3613, 2 bases deleted (TG; older notation c.3612_3613delTG).
Protein change: p.Glu1205fs; shifts the reading frame from glutamic acid 1205.
Molecular consequence: frameshift variant. On other transcripts: non-coding transcript variant (1).
Genome position (GRCh38, 1-based): chrX:78,038,936-78,038,937, TG deleted. VCF-style (leftmost placement, unchanged base first): chrX-78038935-CTG-C. GRCh37 (hg19) VCF-style: chrX-77294433-CTG-C.
Other names: c.3378_3379del, p.Glu1127fs (NM_001282224.2); short protein forms E1127fs, E1205fs.
Identifiers: ClinVar variation 1724435 (VCV001724435.3), dbSNP rs2522410806, ClinGen allele CA2580101985.